The following is an entry in ClinVar:

NM_020859.4(SHROOM3):c.1119G>A (p.Thr373=)

Genes: SHROOM3 (shroom family member 3; plus strand), SHROOM3-AS1 (SHROOM3 antisense RNA 1; minus strand). Cytogenetic location: 4q21.1.
Variant type: single nucleotide variant.
Coding change: c.1119G>A on transcript NM_020859.4 (MANE Select); coding-DNA position 1119, G replaced by A.
Protein change: p.Thr373=; no amino-acid change (threonine 373 retained).
Molecular consequence: synonymous variant.
Genome position (GRCh38, 1-based): chr4:76,739,292, G>A. VCF-style: chr4-76739292-G-A. GRCh37 (hg19) VCF-style: chr4-77660445-G-A.
Identifiers: ClinVar variation 3352694 (VCV003352694.1).

ClinVar aggregate classification (germline): Likely benign (0 of 4 stars; one submission).

Conditions:
SHROOM3-related disorder. Also called: SHROOM3-related condition.

gnomAD v4.1: 16 of 1,613,932 alleles (0.00099%); highest among the groups gnomAD compares: East Asian, 0.0045%; no homozygotes.

Submission:

PreventionGenetics, part of Exact Sciences
Classification: Likely benign for SHROOM3-related condition. Last evaluated: 2019-05-06. Review status: no assertion criteria provided. Collection method: clinical testing. Allele origin: germline.
Comment: This variant is classified as likely benign based on ACMG/AMP sequence variant interpretation guidelines (Richards et al. 2015 PMID: 25741868, with internal and published modifications).